The following is an entry in ClinVar:

ClinVar aggregate classification (germline): Likely benign (1 of 4 stars; one submission).

Allele frequency attached by ClinVar (database versions not stated): ExAC 0.00001; gnomAD exomes 0.00001.
gnomAD v4.1: 8 of 1,604,888 alleles (0.0005%); highest among the groups gnomAD compares: Non-Finnish European, 0.00068%; no homozygotes.

Submission:

CeGaT Center for Human Genetics Tuebingen
Classification: Likely benign. Last evaluated: 2023-04-01. Review status: criteria provided, single submitter. Criteria: CeGaT Center For Human Genetics Tuebingen Variant Classification Criteria Version 2. Collection method: clinical testing. Allele origin: germline. Affected: yes. Observed: 1 variant allele.
Comment: DDHD2: BP4

NM_015214.3(DDHD2):c.756T>C (p.His252=)

Gene: DDHD2 (DDHD domain containing 2; plus strand). Cytogenetic location: 8p11.23.
Variant type: single nucleotide variant.
Coding change: c.756T>C on transcript NM_015214.3 (MANE Select); coding-DNA position 756, T replaced by C.
Protein change: p.His252=; no amino-acid change (histidine 252 retained).
Molecular consequence: synonymous variant. On other transcripts: non-coding transcript variant (2).
Genome position (GRCh38, 1-based): chr8:38,242,293, T>C. VCF-style: chr8-38242293-T-C. GRCh37 (hg19) VCF-style: chr8-38099811-T-C.
Other names: c.756T>C, p.His252= (NM_001164232.2, NM_001362911.2, NM_001362912.2 and 1 more transcripts); c.666T>C, p.His222= (NM_001362913.2).
Identifiers: ClinVar variation 2658542 (VCV002658542.24), dbSNP rs772317385, ClinGen allele CA4716076.